The following is an entry in ClinVar:

ClinVar aggregate classification (germline): Uncertain significance. Review status: criteria provided, multiple submitters, no conflicts (2 of 4 stars). 3 submissions from 3 submitters: Uncertain significance (3). Last evaluated 2026-08-12.

Conditions:
Cardiovascular phenotype. Identifiers: MedGen CN230736.
Dilated cardiomyopathy 1CC (CMD1CC). Identifiers: Orphanet 154, MedGen C2751084, MONDO:0013147, OMIM 613122.
Hypertrophic cardiomyopathy 20. Identifiers: MedGen C3151267, MONDO:0013477, OMIM 613876.
NEXN-related disorder. Also called: NEXN-related disorders; NEXN-related condition.

Allele frequency attached by ClinVar (database versions not stated): gnomAD 0.00001; ExAC 0.00003; TOPMed 0.00003.
gnomAD v4.1: 19 of 1,613,106 alleles (0.0012%); highest among the groups gnomAD compares: Admixed American, 0.0067%; 1 homozygote.

Submissions (3):

PreventionGenetics, part of Exact Sciences
Classification: Uncertain significance for NEXN-related condition. Last evaluated: 2026-08-12. Review status: criteria provided, single submitter. Criteria: ACMG Guidelines, 2015. Collection method: clinical testing. Allele origin: germline.
Comment: The NEXN c.362C>T variant is predicted to result in the amino acid substitution p.Thr121Met. To our knowledge, this variant has not been reported in the literature. This variant is reported in 0.0087% of alleles in individuals of Latino descent in gnomAD. At this time, the clinical significance of this variant is uncertain due to the absence of conclusive functional and genetic evidence.

Ambry Genetics
Classification: Uncertain significance for Cardiovascular phenotype. Last evaluated: 2025-08-11. Review status: criteria provided, single submitter. Criteria: Ambry Variant Classification Scheme 2023. Collection method: clinical testing. Allele origin: germline.

Labcorp Genetics (formerly Invitae), Labcorp
Classification: Uncertain significance for Dilated cardiomyopathy 1CC; Hypertrophic cardiomyopathy 20. Last evaluated: 2022-04-11. Review status: criteria provided, single submitter. Criteria: Invitae Variant Classification Sherloc (09022015). Collection method: clinical testing. Allele origin: germline.
Comment: This sequence change replaces threonine, which is neutral and polar, with methionine, which is neutral and non-polar, at codon 121 of the NEXN protein (p.Thr121Met). This variant is present in population databases (rs755475702, gnomAD 0.006%). This variant has not been reported in the literature in individuals affected with NEXN-related conditions. Algorithms developed to predict the effect of missense changes on protein structure and function output the following: SIFT: "Deleterious"; PolyPhen-2: "Benign"; Align-GVGD: "Class C0". The methionine amino acid residue is found in multiple mammalian species, which suggests that this missense change does not adversely affect protein function. In summary, the available evidence is currently insufficient to determine the role of this variant in disease. Therefore, it has been classified as a Variant of Uncertain Significance.

NM_144573.4(NEXN):c.362C>T (p.Thr121Met)

Genes: NEXN (nexilin F-actin binding protein; plus strand), LOC126805765 (BRD4-independent group 4 enhancer GRCh37_chr1:78383688-78384887; plus strand). Cytogenetic location: 1p31.1.
Variant type: single nucleotide variant.
Coding change: c.362C>T on transcript NM_144573.4 (MANE Select); coding-DNA position 362, C replaced by T.
Protein change: p.Thr121Met; replaces threonine 121 with methionine.
Molecular consequence: missense variant.
Genome position (GRCh38, 1-based): chr1:77,918,188, C>T. VCF-style: chr1-77918188-C-T. GRCh37 (hg19) VCF-style: chr1-78383873-C-T.
Other names: c.170C>T, p.Thr57Met (NM_001172309.2); short protein forms T57M, T121M.
Identifiers: ClinVar variation 1733390 (VCV001733390.7), dbSNP rs755475702, ClinGen allele CA918624.
Genomic context (GRCh38, chr1:77,918,188, plus strand): 5'-CTGTGAAGGGTAGATTTGCTGAAATGGAGAAACAAAGACAAGAGGAACAAAGGAAGAGAA[C>T]GGAGGAGGAACGAAAACGCAGAATTGAGCAGGATATGTTAGAAAAGAGGAAAATACAGCG-3'
Protein context (NP_653174.3, residues 111-131): KQRQEEQRKR[Thr121Met]EEERKRRIEQ